The following is an entry in ClinVar:

NM_001039111.3(TRIM71):c.553G>T (p.Ala185Ser)

Gene: TRIM71 (tripartite motif containing 71; plus strand). Cytogenetic location: 3p22.3.
Variant type: single nucleotide variant.
Coding change: c.553G>T on transcript NM_001039111.3 (MANE Select); coding-DNA position 553, G replaced by T.
Protein change: p.Ala185Ser; replaces alanine 185 with serine.
Molecular consequence: missense variant.
Genome position (GRCh38, 1-based): chr3:32,818,633, G>T. VCF-style: chr3-32818633-G-T. GRCh37 (hg19) VCF-style: chr3-32860125-G-T.
Other names: short protein forms A185S.
Identifiers: ClinVar variation 996342 (VCV000996342.18), dbSNP rs781320370, ClinGen allele CA2298628.

ClinVar aggregate classification (germline): Conflicting classifications of pathogenicity. Review status: criteria provided, conflicting classifications (1 of 4 stars). 4 submissions from 4 submitters: Uncertain significance (1); Benign (1); Likely benign (2). Last evaluated 2024-09-01.

Conditions:
Non-obstructive azoospermia. Identifiers: MedGen C4021107, HP:0011961.
Hydrocephalus, congenital communicating, 1. Also called: HYDROCEPHALUS, CONGENITAL, 4. Identifiers: MedGen C5231454, MONDO:0032862, OMIM 618667.

Allele frequency attached by ClinVar (database versions not stated): TOPMed 0.00047; gnomAD 0.00051 and 0.00053; gnomAD exomes 0.00074; ExAC 0.00131.
gnomAD v4.1: 801 of 1,461,082 alleles (0.055%); highest among the groups gnomAD compares: Non-Finnish European, 0.053%; 4 homozygotes.

Submissions (4):

CeGaT Center for Human Genetics Tuebingen
Classification: Benign. Last evaluated: 2024-09-01. Review status: criteria provided, single submitter. Criteria: CeGaT Center For Human Genetics Tuebingen Variant Classification Criteria Version 2. Collection method: clinical testing. Allele origin: germline. Affected: yes. Observed: 1 variant allele.
Comment: TRIM71: BS1, BS2

Department of Pathology and Laboratory Medicine, Sinai Health System
Classification: Uncertain significance for Hydrocephalus, congenital communicating, 1. Last evaluated: 2021-10-21. Review status: criteria provided, single submitter. Criteria: ACMG Guidelines, 2015. Collection method: research. Allele origin: germline.

Institute of Reproductive Genetics, University of Münster
Classification: Likely benign for Non-obstructive azoospermia. Last evaluated: 2021-03-01. Review status: criteria provided, single submitter. Criteria: ACMG Guidelines, 2015. Collection method: research. Allele origin: unknown. Inheritance: Autosomal unknown. Affected: yes. Observed: 2 variant alleles, 2 heterozygotes.
Comment: BS2, BP4

Breakthrough Genomics
Classification: Likely benign. Review status: criteria provided, single submitter. Criteria: ACMG Guidelines, 2015. Collection method: not provided. Allele origin: germline. Inheritance: Autosomal dominant inheritance. Affected: yes.